The following is an entry in ClinVar:

ClinVar aggregate classification (germline): Likely benign (1 of 4 stars; one submission).

Submission:

CeGaT Center for Human Genetics Tuebingen
Classification: Likely benign. Last evaluated: 2025-04-01. Review status: criteria provided, single submitter. Criteria: CeGaT Center For Human Genetics Tuebingen Variant Classification Criteria Version 2. Collection method: clinical testing. Allele origin: germline. Affected: yes. Observed: 1 variant allele.
Comment: MUC5B: BP4, BP7, BS1

NM_002458.3(MUC5B):c.12090G>A (p.Ser4030=)

Genes: MUC5B (mucin 5B, oligomeric mucus/gel-forming; plus strand), MUC5B-AS1 (MUC5B antisense RNA 1; minus strand). Cytogenetic location: 11p15.5.
Variant type: single nucleotide variant.
Coding change: c.12090G>A on transcript NM_002458.3 (MANE Select); coding-DNA position 12090, G replaced by A.
Protein change: p.Ser4030=; no amino-acid change (serine 4030 retained).
Molecular consequence: synonymous variant.
Genome position (GRCh38, 1-based): chr11:1,248,970, G>A. VCF-style: chr11-1248970-G-A. GRCh37 (hg19) VCF-style: chr11-1270200-G-A.
Identifiers: ClinVar variation 3778094 (VCV003778094.7).